The following is an entry in ClinVar:

ClinVar aggregate classification (germline): Likely benign. Review status: criteria provided, multiple submitters, no conflicts (2 of 4 stars). 4 submissions from 4 submitters: Likely benign (3). 1 of the submissions does not count toward it. Last evaluated 2025-12-29.

Conditions:
Hereditary cancer-predisposing syndrome. Also called: Neoplastic Syndromes, Hereditary; Hereditary neoplastic syndrome; Tumor predisposition; Hereditary Cancer Syndrome. Identifiers: Orphanet 140162, MedGen C0027672, MeSH D009386, MONDO:0015356.
POLD1-related disorder. Also called: POLD1-related condition; POLD1-related disorders.
POLD1-related polyposis and colorectal cancer syndrome (CRCS10). Also called: Colorectal cancer 10; COLORECTAL CANCER, SUSCEPTIBILITY TO, ON CHROMOSOME 19q; Colorectal cancer, susceptibility to, 10. Identifiers: Orphanet 220460, MedGen C2675481, MONDO:0012953, OMIM 612591.

Allele frequency attached by ClinVar (database versions not stated): gnomAD exomes below 0.00001; TOPMed 0.00001; ExAC 0.00002.
gnomAD v4.1: 16 of 1,608,364 alleles (0.00099%); highest among the groups gnomAD compares: South Asian, 0.0044%; no homozygotes.

Submissions (4):

Labcorp Genetics (formerly Invitae), Labcorp
Classification: Likely benign for POLD1-related polyposis and colorectal cancer syndrome. Last evaluated: 2025-12-29. Review status: criteria provided, single submitter. Criteria: Invitae Variant Classification Sherloc (09022015). Collection method: clinical testing. Allele origin: germline.

Sema4
Classification: Likely benign for Hereditary cancer-predisposing syndrome. Last evaluated: 2021-01-28. Review status: criteria provided, single submitter. Criteria: Sema4 Curation Guidelines. Collection method: curation. Allele origin: germline.

Ambry Genetics
Classification: Likely benign for Hereditary cancer-predisposing syndrome. Last evaluated: 2019-03-20. Review status: criteria provided, single submitter. Criteria: Ambry Variant Classification Scheme 2023. Collection method: clinical testing. Allele origin: germline.

PreventionGenetics, part of Exact Sciences
Classification: Likely benign for POLD1-related condition. Last evaluated: 2024-03-27. Review status: no assertion criteria provided. Collection method: clinical testing. Allele origin: germline. Not counted in ClinVar's aggregate classification.
Comment: This variant is classified as likely benign based on ACMG/AMP sequence variant interpretation guidelines (Richards et al. 2015 PMID: 25741868, with internal and published modifications).

NM_002691.4(POLD1):c.2361G>A (p.Pro787=)

Gene: POLD1 (DNA polymerase delta 1, catalytic subunit; plus strand). Cytogenetic location: 19q13.33.
Variant type: single nucleotide variant.
Coding change: c.2361G>A on transcript NM_002691.4 (MANE Select); coding-DNA position 2361, G replaced by A.
Protein change: p.Pro787=; no amino-acid change (proline 787 retained).
Molecular consequence: synonymous variant. On other transcripts: non-coding transcript variant (1).
Genome position (GRCh38, 1-based): chr19:50,413,852, G>A. VCF-style: chr19-50413852-G-A. GRCh37 (hg19) VCF-style: chr19-50917109-G-A.
Other names: c.2361G>A, p.Pro787= (NM_001256849.1); c.2439G>A, p.Pro813= (NM_001308632.1).
Identifiers: ClinVar variation 469252 (VCV000469252.16), dbSNP rs759113421, ClinGen allele CA9596493.